The following is an entry in ClinVar:

ClinVar aggregate classification (germline): Uncertain significance (1 of 4 stars; one submission).

Conditions:
Hereditary cancer-predisposing syndrome. Also called: Tumor predisposition; Hereditary Cancer Syndrome; Hereditary neoplastic syndrome; Neoplastic Syndromes, Hereditary. Identifiers: Orphanet 140162, MedGen C0027672, MeSH D009386, MONDO:0015356.

Submission:

Ambry Genetics
Classification: Uncertain significance for Hereditary cancer-predisposing syndrome. Last evaluated: 2025-10-30. Review status: criteria provided, single submitter. Criteria: Ambry Variant Classification Scheme 2023. Collection method: clinical testing. Allele origin: germline.
Comment: The p.P589A variant (also known as c.1765C>G), located in coding exon 13 of the TSC1 gene, results from a C to G substitution at nucleotide position 1765. The proline at codon 589 is replaced by alanine, an amino acid with highly similar properties. This amino acid position is conserved. In addition, the in silico prediction for this alteration is inconclusive. Based on the available evidence, the clinical significance of this variant remains unclear.

NM_000368.5(TSC1):c.1765C>G (p.Pro589Ala)

Gene: TSC1 (TSC complex subunit 1; minus strand). Cytogenetic location: 9q34.13.
Variant type: single nucleotide variant.
Coding change: c.1765C>G on transcript NM_000368.5 (MANE Select); coding-DNA position 1765, C replaced by G.
Protein change: p.Pro589Ala; replaces proline 589 with alanine.
Molecular consequence: missense variant. On other transcripts: non-coding transcript variant (5).
Genome position (GRCh38, 1-based): chr9:132,905,813, G>C on the plus strand (C>G on the coding strand, the complement: TSC1 is on the minus strand). VCF-style: chr9-132905813-G-C. GRCh37 (hg19) VCF-style: chr9-135781200-G-C.
Other names: c.1762C>G, p.Pro588Ala (NM_001162426.2, NM_001406597.1, NM_001406598.1 and 6 more transcripts); c.1612C>G, p.Pro538Ala (NM_001162427.2, NM_001406610.1); c.1402C>G, p.Pro468Ala (NM_001362177.2, NM_001406614.1, NM_001406618.1 and 5 more transcripts); c.1765C>G, p.Pro589Ala (NM_001406592.1, NM_001406593.1, NM_001406594.1 and 7 more transcripts); c.1609C>G, p.Pro537Ala (NM_001406611.1, NM_001406612.1, NM_001406613.1); c.1399C>G, p.Pro467Ala (NM_001406620.1, NM_001406621.1, NM_001406622.1 and 2 more transcripts); c.814C>G, p.Pro272Ala (NM_001406626.1); c.811C>G, p.Pro271Ala (NM_001406627.1, NM_001406628.1); and 1 more; short protein forms P467A, P537A, P538A, P588A, P589A, P238A, P272A, P468A.
Identifiers: ClinVar variation 4554381 (VCV004554381.1).
Genomic context (GRCh38, chr9:132,905,813, plus strand): 5'-CAAAAAGATGATCATACGGGGGAGGCTGCCCGCTTCCAAAGCCCACTCTCGTCGGAGGTG[G>C]AATTTTACAAGGACTGGGAGTGAAGATACTGGTCTCCAAAGAAGTCTGGCATTCCCTGTC-3'
Protein context (NP_000359.1, residues 579-599): SIFTPSPCKI[Pro589Ala]PPTRVGFGSG